The following is an entry in ClinVar:

NM_004341.5(CAD):c.1435C>T (p.Gln479Ter)

Gene: CAD (carbamoyl-phosphate synthetase 2, aspartate transcarbamylase, and dihydroorotase; plus strand). Cytogenetic location: 2p23.3.
Variant type: single nucleotide variant.
Coding change: c.1435C>T on transcript NM_004341.5 (MANE Select); coding-DNA position 1435, C replaced by T.
Protein change: p.Gln479Ter; replaces glutamine 479 with a stop codon.
Molecular consequence: nonsense.
Genome position (GRCh38, 1-based): chr2:27,225,058, C>T. VCF-style: chr2-27225058-C-T. GRCh37 (hg19) VCF-style: chr2-27447926-C-T.
Other names: c.1435C>T, p.Gln479Ter (NM_001306079.2); short protein forms Q479*.
Identifiers: ClinVar variation 2758680 (VCV002758680.3), dbSNP rs2465299350, ClinGen allele CA346204848.

ClinVar aggregate classification (germline): Pathogenic (1 of 4 stars; one submission).

Submission:

Labcorp Genetics (formerly Invitae), Labcorp
Classification: Pathogenic. Last evaluated: 2023-09-06. Review status: criteria provided, single submitter. Criteria: Invitae Variant Classification Sherloc (09022015). Collection method: clinical testing. Allele origin: germline.
Comment: For these reasons, this variant has been classified as Pathogenic. This variant has not been reported in the literature in individuals affected with CAD-related conditions. This variant is not present in population databases (gnomAD no frequency). This sequence change creates a premature translational stop signal (p.Gln479*) in the CAD gene. It is expected to result in an absent or disrupted protein product. Loss-of-function variants in CAD are known to be pathogenic (PMID: 28007989, 32117025, 32820246, 33497533).

Literature cited by the submitters: PubMed 28007989; PubMed 32117025; PubMed 32820246; PubMed 33497533.